The following is an entry in ClinVar:

NM_017841.4(SDHAF2):c.267dup (p.Ala90fs)

Gene: SDHAF2 (succinate dehydrogenase complex assembly factor 2; plus strand). Cytogenetic location: 11q12.2.
Variant type: Duplication.
Coding change: c.267dup on transcript NM_017841.4 (MANE Select); coding-DNA position 267, one base duplicated (T; older notation c.267dupT).
Protein change: p.Ala90fs; shifts the reading frame from alanine 90.
Molecular consequence: frameshift variant.
Genome position (GRCh38, 1-based): chr11:61,438,010, T duplicated; the last of 5 consecutive T bases (chr11:61,438,006-61,438,010); duplicating any one gives the same sequence. VCF-style (leftmost placement, unchanged base first): chr11-61438005-C-CT. GRCh37 (hg19) VCF-style: chr11-61205477-C-CT.
Other names: c.267dupT (NM_017841.2); short protein forms A90fs.
Identifiers: ClinVar variation 1794666 (VCV001794666.5), dbSNP rs766035180, ClinGen allele CA2580084363.

ClinVar aggregate classification (germline): Pathogenic/Likely pathogenic. Review status: criteria provided, multiple submitters, no conflicts (2 of 4 stars). 3 submissions from 3 submitters: Pathogenic (1); Likely pathogenic (2). Last evaluated 2025-10-24.

Conditions:
Pheochromocytoma/paraganglioma syndrome 2. Also called: SDHAF2-Related Hereditary Paraganglioma-Pheochromocytoma Syndrome; GLOMUS TUMORS, FAMILIAL, 2; Paragangliomas 2; SDHAF2-Related Hereditary Paraganglioma-Pheochromocytoma Syndrome (Paragangliomas 2). Identifiers: Orphanet 29072, MedGen C1866552, MONDO:0011121, OMIM 601650.
Hereditary cancer-predisposing syndrome. Also called: Neoplastic Syndromes, Hereditary; Tumor predisposition; Hereditary neoplastic syndrome; Hereditary Cancer Syndrome. Identifiers: Orphanet 140162, MedGen C0027672, MeSH D009386, MONDO:0015356.

Submissions (3):

Ambry Genetics
Classification: Pathogenic for Hereditary cancer-predisposing syndrome. Last evaluated: 2025-10-24. Review status: criteria provided, single submitter. Criteria: Ambry Variant Classification Scheme 2023. Collection method: clinical testing. Allele origin: germline.
Comment: The c.267dupT pathogenic mutation, located in coding exon 3 of the SDHAF2 gene, results from a duplication of T at nucleotide position 267, causing a translational frameshift with a predicted alternate stop codon (p.A90Cfs*2). This variant is considered to be rare based on population cohorts in the Genome Aggregation Database (gnomAD). This alteration is expected to result in loss of function by premature protein truncation or nonsense-mediated mRNA decay. As such, this alteration is interpreted as a disease-causing mutation.

Institute for Genomic Medicine (IGM) Clinical Laboratory, Nationwide Children's Hospital
Classification: Likely pathogenic for Pheochromocytoma/paraganglioma syndrome 2. Last evaluated: 2025-01-15. Review status: criteria provided, single submitter. Criteria: ACMG Guidelines, 2015. Collection method: clinical testing. Allele origin: germline.
Comment: This variant is predicted to result in loss of function through nonsense-mediated decay of the encoded transcript or premature truncation of the encoded protein in a gene in which loss of function is a known mechanism of disease (ACMG/AMP: PVS1; PMIDs:22241717, 26096992, 31687641). This variant is absent from or present at an exceedingly low frequency in gnomAD, a large-scale control population database (ACMG/AMP: PM2).

GeneDx
Classification: Likely pathogenic. Last evaluated: 2024-11-14. Review status: criteria provided, single submitter. Criteria: GeneDx Variant Classification Process June 2021. Collection method: clinical testing. Allele origin: germline. Affected: yes.
Comment: Frameshift variant predicted to result in protein truncation or nonsense mediated decay in a gene for which loss of function is a known mechanism of disease; Not observed at significant frequency in large population cohorts (gnomAD); Has not been previously published as pathogenic or benign to our knowledge

Literature cited by the submitters: PubMed 22241717 (cited by Institute for Genomic Medicine (IGM) Clinical Laboratory, Nationwide Children's Hospital); PubMed 26096992 (cited by Institute for Genomic Medicine (IGM) Clinical Laboratory, Nationwide Children's Hospital); PubMed 31687641 (cited by Institute for Genomic Medicine (IGM) Clinical Laboratory, Nationwide Children's Hospital).